The following is an entry in ClinVar:

ClinVar aggregate classification (germline): Uncertain significance (1 of 4 stars; one submission).

Allele frequency attached by ClinVar (database versions not stated): gnomAD exomes below 0.00001.

Submission:

Labcorp Genetics (formerly Invitae), Labcorp
Classification: Uncertain significance. Last evaluated: 2022-07-25. Review status: criteria provided, single submitter. Criteria: Invitae Variant Classification Sherloc (09022015). Collection method: clinical testing. Allele origin: germline.
Comment: This variant has not been reported in the literature in individuals affected with TREM2-related conditions. In summary, the available evidence is currently insufficient to determine the role of this variant in disease. Therefore, it has been classified as a Variant of Uncertain Significance. Algorithms developed to predict the effect of missense changes on protein structure and function (SIFT, PolyPhen-2, Align-GVGD) all suggest that this variant is likely to be tolerated. This variant is not present in population databases (gnomAD no frequency). This sequence change replaces glycine, which is neutral and non-polar, with alanine, which is neutral and non-polar, at codon 145 of the TREM2 protein (p.Gly145Ala).

NM_018965.4(TREM2):c.434G>C (p.Gly145Ala)

Gene: TREM2 (triggering receptor expressed on myeloid cells 2; minus strand). Cytogenetic location: 6p21.1.
Variant type: single nucleotide variant.
Coding change: c.434G>C on transcript NM_018965.4 (MANE Select); coding-DNA position 434, G replaced by C.
Protein change: p.Gly145Ala; replaces glycine 145 with alanine.
Molecular consequence: missense variant.
Genome position (GRCh38, 1-based): chr6:41,159,840, C>G on the plus strand (G>C on the coding strand, the complement: TREM2 is on the minus strand). VCF-style: chr6-41159840-C-G. GRCh37 (hg19) VCF-style: chr6-41127578-C-G.
Other names: c.434G>C, p.Gly145Ala (NM_001271821.2); short protein forms G145A.
Identifiers: ClinVar variation 1973298 (VCV001973298.5), dbSNP rs2532385439, ClinGen allele CA364058202.